The following is an entry in ClinVar:

ClinVar aggregate classification (germline): Uncertain significance (1 of 4 stars; one submission).

Conditions:
Acrocallosal syndrome (ACLS). Also called: HALLUX DUPLICATION, POSTAXIAL POLYDACTYLY, AND ABSENCE OF CORPUS CALLOSUM; Schinzel syndrome 1; Absence of corpus callosum with unusual facial appearance, mental deficiency, duplication of the halluces and polydactyly. Identifiers: Orphanet 36, MedGen C0796147, MONDO:0008708, OMIM 200990.

Submission:

Labcorp Genetics (formerly Invitae), Labcorp
Classification: Uncertain significance for Acrocallosal syndrome. Last evaluated: 2021-08-11. Review status: criteria provided, single submitter. Criteria: Invitae Variant Classification Sherloc (09022015). Collection method: clinical testing. Allele origin: germline.
Comment: Algorithms developed to predict the effect of missense changes on protein structure and function are either unavailable or do not agree on the potential impact of this missense change (SIFT: "Deleterious"; PolyPhen-2: "Probably Damaging"; Align-GVGD: "Class C0"). In summary, the available evidence is currently insufficient to determine the role of this variant in disease. Therefore, it has been classified as a Variant of Uncertain Significance. This variant has not been reported in the literature in individuals affected with KIF7-related conditions. This variant is not present in population databases (ExAC no frequency). This sequence change replaces leucine with glutamine at codon 156 of the KIF7 protein (p.Leu156Gln). The leucine residue is weakly conserved and there is a moderate physicochemical difference between leucine and glutamine.

NM_198525.3(KIF7):c.467T>A (p.Leu156Gln)

Gene: KIF7 (kinesin family member 7; minus strand). Cytogenetic location: 15q26.1.
Variant type: single nucleotide variant.
Coding change: c.467T>A on transcript NM_198525.3 (MANE Select); coding-DNA position 467, T replaced by A.
Protein change: p.Leu156Gln; replaces leucine 156 with glutamine.
Molecular consequence: missense variant.
Genome position (GRCh38, 1-based): chr15:89,649,803, A>T on the plus strand (T>A on the coding strand, the complement: KIF7 is on the minus strand). VCF-style: chr15-89649803-A-T. GRCh37 (hg19) VCF-style: chr15-90193034-A-T.
Other names: short protein forms L156Q.
Identifiers: ClinVar variation 1499359 (VCV001499359.6), dbSNP rs2142032037, ClinGen allele CA393776915.